The following is an entry in ClinVar:

NC_000009.12:g.35658065GT[1]

Gene: RMRP (RNA component of mitochondrial RNA processing endoribonuclease; minus strand). Cytogenetic location: 9p13.3.
Variant type: Microsatellite.
Genome position: GRCh38 VCF-style: chr9-35658063-TTG-T. GRCh37 (hg19) VCF-style: chr9-35658060-TTG-T.
Identifiers: ClinVar variation 1953300 (VCV001953300.4), dbSNP rs1319883850, ClinGen allele CA863579048.

ClinVar aggregate classification (germline): Uncertain significance (1 of 4 stars; one submission).

Conditions:
Anauxetic dysplasia. Identifiers: Orphanet 93347, MedGen C1846796, MONDO:0011773.

Submission:

Labcorp Genetics (formerly Invitae), Labcorp
Classification: Uncertain significance for Anauxetic dysplasia. Last evaluated: 2024-10-16. Review status: criteria provided, single submitter. Criteria: Invitae Variant Classification Sherloc (09022015). Collection method: clinical testing. Allele origin: germline.
Comment: This variant occurs in the RMRP gene, which encodes an RNA molecule that does not result in a protein product. This variant is not present in population databases (gnomAD no frequency). This variant has not been reported in the literature in individuals affected with RMRP-related conditions. Experimental studies and prediction algorithms are not available or were not evaluated, and the functional significance of this variant is currently unknown. In summary, the available evidence is currently insufficient to determine the role of this variant in disease. Therefore, it has been classified as a Variant of Uncertain Significance.